The following is an entry in ClinVar:

NM_016341.4(PLCE1):c.4848G>T (p.Gln1616His)

Genes: PLCE1 (phospholipase C epsilon 1; plus strand), PLCE1-AS1 (PLCE1 antisense RNA 1; minus strand). Cytogenetic location: 10q23.33.
Variant type: single nucleotide variant.
Coding change: c.4848G>T on transcript NM_016341.4 (MANE Select); coding-DNA position 4848, G replaced by T.
Protein change: p.Gln1616His; replaces glutamine 1616 with histidine.
Molecular consequence: missense variant.
Genome position (GRCh38, 1-based): chr10:94,283,842, G>T. VCF-style: chr10-94283842-G-T. GRCh37 (hg19) VCF-style: chr10-96043599-G-T.
Other names: c.3924G>T, p.Gln1308His (NM_001165979.2); c.4800G>T, p.Gln1600His (NM_001288989.2); short protein forms Q1308H, Q1600H, Q1616H.
Identifiers: ClinVar variation 3764427 (VCV003764427.1).

ClinVar aggregate classification (germline): Uncertain significance (1 of 4 stars; one submission).

gnomAD v4.1: 20 of 1,612,052 alleles (0.0012%); highest among the groups gnomAD compares: Admixed American, 0.012%; no homozygotes.

Submission:

GeneDx
Classification: Uncertain significance. Last evaluated: 2024-08-21. Review status: criteria provided, single submitter. Criteria: GeneDx Variant Classification Process June 2021. Collection method: clinical testing. Allele origin: germline. Affected: yes.
Comment: In silico analysis indicates that this missense variant does not alter protein structure/function; Has not been previously published as pathogenic or benign to our knowledge